The following is an entry in ClinVar:

NM_001009944.3(PKD1):c.9076C>T (p.Arg3026Trp)

Gene: PKD1 (polycystin 1, transient receptor potential channel interacting; minus strand). Cytogenetic location: 16p13.3.
Variant type: single nucleotide variant.
Coding change: c.9076C>T on transcript NM_001009944.3 (MANE Select); coding-DNA position 9076, C replaced by T.
Protein change: p.Arg3026Trp; replaces arginine 3026 with tryptophan.
Molecular consequence: missense variant.
Genome position (GRCh38, 1-based): chr16:2,102,506, G>A on the plus strand (C>T on the coding strand, the complement: PKD1 is on the minus strand). VCF-style: chr16-2102506-G-A. GRCh37 (hg19) VCF-style: chr16-2152507-G-A.
Other names: c.9076C>T, p.Arg3026Trp (NM_000296.4); short protein forms R3026W.
Identifiers: ClinVar variation 2581846 (VCV002581846.1), dbSNP rs1354953295, ClinGen allele CA394359410.

ClinVar aggregate classification (germline): Uncertain significance (1 of 4 stars; one submission).

gnomAD v4.1: 3 of 1,593,858 alleles (0.00019%); highest among the groups gnomAD compares: Non-Finnish European, 0.00026%; no homozygotes.

Submission:

GeneDx
Classification: Uncertain significance. Last evaluated: 2023-03-30. Review status: criteria provided, single submitter. Criteria: GeneDx Variant Classification Process June 2021. Collection method: clinical testing. Allele origin: germline. Affected: yes.
Comment: Not observed at significant frequency in large population cohorts (gnomAD); In silico analysis supports that this missense variant has a deleterious effect on protein structure/function; Has not been previously published as pathogenic or benign to our knowledge